The following is an entry in ClinVar:

ClinVar aggregate classification (germline): Pathogenic/Likely pathogenic. Review status: criteria provided, multiple submitters, no conflicts (2 of 4 stars). 2 submissions from 2 submitters: Pathogenic (1); Likely pathogenic (1). Last evaluated 2022-01-19.

Conditions:
Charcot-Marie-Tooth disease, type I (CMT1). Also called: Charcot-Marie-Tooth disease type 1; Charcot-Marie-Tooth, Type 1. Identifiers: Orphanet 65753, MedGen C0751036, MONDO:0019011.
Inborn genetic diseases. Identifiers: MedGen C0950123, MeSH D030342.

Submissions (2):

Labcorp Genetics (formerly Invitae), Labcorp
Classification: Likely pathogenic for Charcot-Marie-Tooth disease, type I. Last evaluated: 2022-01-19. Review status: criteria provided, single submitter. Criteria: Invitae Variant Classification Sherloc (09022015). Collection method: clinical testing. Allele origin: germline.
Comment: In summary, the currently available evidence indicates that the variant is pathogenic, but additional data are needed to prove that conclusively. Therefore, this variant has been classified as Likely Pathogenic. This variant disrupts the p.Cys127 amino acid residue in MPZ. Other variant(s) that disrupt this residue have been observed in individuals with MPZ-related conditions (PMID: 9888385, 10084540), which suggests that this may be a clinically significant amino acid residue. Algorithms developed to predict the effect of missense changes on protein structure and function (SIFT, PolyPhen-2, Align-GVGD) all suggest that this variant is likely to be disruptive. ClinVar contains an entry for this variant (Variation ID: 208765). This missense change has been observed in individuals with clinical features of MPZ-related conditions (PMID: 33825325; Invitae). This variant is not present in population databases (gnomAD no frequency). This sequence change replaces cysteine, which is neutral and slightly polar, with serine, which is neutral and polar, at codon 127 of the MPZ protein (p.Cys127Ser).

Ambry Genetics
Classification: Pathogenic for Inborn genetic diseases. Last evaluated: 2013-09-27. Review status: criteria provided, single submitter. Criteria: Ambry Autosomal Dominant and X-Linked criteria (10/2015). Collection method: clinical testing. Allele origin: germline. Observed: 1 variant allele.

Literature cited by the submitters: PubMed 9888385 (cited by Labcorp Genetics (formerly Invitae), Labcorp); PubMed 10084540 (cited by Labcorp Genetics (formerly Invitae), Labcorp); PubMed 33825325 (cited by Labcorp Genetics (formerly Invitae), Labcorp).

NM_000530.8(MPZ):c.380G>C (p.Cys127Ser)

Gene: MPZ (myelin protein zero; minus strand). Cytogenetic location: 1q23.3.
Variant type: single nucleotide variant.
Coding change: c.380G>C on transcript NM_000530.8 (MANE Select); coding-DNA position 380, G replaced by C.
Protein change: p.Cys127Ser; replaces cysteine 127 with serine.
Molecular consequence: missense variant.
Genome position (GRCh38, 1-based): chr1:161,306,776, C>G on the plus strand (G>C on the coding strand, the complement: MPZ is on the minus strand). VCF-style: chr1-161306776-C-G. GRCh37 (hg19) VCF-style: chr1-161276566-C-G.
Other names: c.380G>C, p.Cys127Ser (NM_001315491.2); c.380G>C (LRG_256t1); short protein forms C127S.
Identifiers: ClinVar variation 208765 (VCV000208765.9), dbSNP rs797044941, ClinGen allele CA204850.